The following is an entry in ClinVar:

ClinVar aggregate classification (germline): Pathogenic/Likely pathogenic. Review status: criteria provided, multiple submitters, no conflicts (2 of 4 stars). 3 submissions from 3 submitters: Pathogenic (1); Likely pathogenic (2). Last evaluated 2026-03-17.

Conditions:
Hereditary cancer-predisposing syndrome. Also called: Tumor predisposition; Hereditary neoplastic syndrome; Neoplastic Syndromes, Hereditary; Hereditary Cancer Syndrome. Identifiers: Orphanet 140162, MedGen C0027672, MeSH D009386, MONDO:0015356.
Familial adenomatous polyposis 1 (FAP1). Also called: FAMILIAL ADENOMATOUS POLYPOSIS 1, ATTENUATED; POLYPOSIS, ADENOMATOUS INTESTINAL. Identifiers: MedGen C2713442, MONDO:0021056, OMIM 175100. Disease mechanism: loss of function.

Submissions (3):

Ambry Genetics
Classification: Likely pathogenic for Hereditary cancer-predisposing syndrome. Last evaluated: 2026-03-17. Review status: criteria provided, single submitter. Criteria: Ambry Variant Classification Scheme 2023. Collection method: clinical testing. Allele origin: germline.
Comment: The p.Q2218* variant (also known as c.6652C>T), located in coding exon 15 of the APC gene, results from a C to T substitution at nucleotide position 6652. This changes the amino acid from a glutamine to a stop codon within coding exon 15. This variant occurs at the 3' terminus of the gene, is not expected to trigger nonsense-mediated mRNA decay, and impacts the last 22% of the protein. However, premature stop codons are typically deleterious in nature and a significant portion of the protein is affected (Ambry internal data). This variant is considered to be rare based on population cohorts in the Genome Aggregation Database (gnomAD). Based on the majority of available evidence to date, this variant is likely to be pathogenic.

Myriad Genetics, Inc.
Classification: Pathogenic for Familial adenomatous polyposis 1. Last evaluated: 2025-07-22. Review status: criteria provided, single submitter. Criteria: Myriad Autosomal Dominant, Autosomal Recessive and X-Linked Classification Criteria (2023). Collection method: clinical testing. Allele origin: unknown.
Comment: This variant is considered pathogenic. This variant creates a termination codon and is predicted to result in premature protein truncation.

Baylor Genetics
Classification: Likely pathogenic for Familial adenomatous polyposis 1. Last evaluated: 2022-09-19. Review status: criteria provided, single submitter. Criteria: ACMG Guidelines, 2015. Collection method: clinical testing. Allele origin: unknown.

NM_000038.6(APC):c.6652C>T (p.Gln2218Ter)

Gene: APC (APC regulator of Wnt signaling pathway; plus strand). Cytogenetic location: 5q22.2.
Variant type: single nucleotide variant.
Coding change: c.6652C>T on transcript NM_000038.6 (MANE Select); coding-DNA position 6652, C replaced by T.
Protein change: p.Gln2218Ter; replaces glutamine 2218 with a stop codon.
Molecular consequence: nonsense. On other transcripts: non-coding transcript variant (2).
Genome position (GRCh38, 1-based): chr5:112,842,246, C>T. VCF-style: chr5-112842246-C-T. GRCh37 (hg19) VCF-style: chr5-112177943-C-T.
Other names: c.6652C>T (NM_000038.5); c.6652C>T, p.Gln2218Ter (NM_001127510.3, NM_001354895.2, NM_001407450.1); c.6598C>T, p.Gln2200Ter (NM_001127511.3); c.6706C>T, p.Gln2236Ter (NM_001354896.2, NM_001407447.1, NM_001407448.1 and 1 more transcripts); c.6682C>T, p.Gln2228Ter (NM_001354897.2); c.6577C>T, p.Gln2193Ter (NM_001354898.2); c.6568C>T, p.Gln2190Ter (NM_001354899.2); c.6529C>T, p.Gln2177Ter (NM_001354900.2); and 12 more; short protein forms Q1834*, Q1935*, Q2058*, Q2089*, Q2092*, Q2117*, Q2127*, Q2135*.
Identifiers: ClinVar variation 2678153 (VCV002678153.3), dbSNP rs2149969843, ClinGen allele CA16035883.
Genomic context (GRCh38, chr5:112,842,246, plus strand): 5'-TTGATTACTGGAAAAGTTCGATCTAATTCAGAAATTTCAGGCCAAATGAAACAGCCCCTT[C>T]AAGCAAACATGCCTTCAATCTCTCGAGGCAGGACAATGATTCATATTCCAGGAGTTCGAA-3'